The following is an entry in ClinVar:

NM_001184.4(ATR):c.5477T>C (p.Val1826Ala)

Gene: ATR (ATR checkpoint kinase; minus strand). Cytogenetic location: 3q23.
Variant type: single nucleotide variant.
Coding change: c.5477T>C on transcript NM_001184.4 (MANE Select); coding-DNA position 5477, T replaced by C.
Protein change: p.Val1826Ala; replaces valine 1826 with alanine.
Molecular consequence: missense variant.
Genome position (GRCh38, 1-based): chr3:142,498,678, A>G on the plus strand (T>C on the coding strand, the complement: ATR is on the minus strand). VCF-style: chr3-142498678-A-G. GRCh37 (hg19) VCF-style: chr3-142217520-A-G.
Other names: c.5285T>C, p.Val1762Ala (NM_001354579.2); short protein forms V1826A, V1762A.
Identifiers: ClinVar variation 1747768 (VCV001747768.2), dbSNP rs758772927, ClinGen allele CA2649606.
Genomic context (GRCh38, chr3:142,498,678, plus strand): 5'-CGTTGGTAGGAGCCTCTTTCAAAGCTTGCAGCTGAAAGAGGTACAATTTGTTCTGCTCTC[A>G]CTAGTTTCAGTGAGTCATAAAAAGCTGTGATATCTCTTTTTTTGGCTGATAATAATAGCT-3'
Protein context (NP_001175.2, residues 1816-1836): ITAFYDSLKL[Val1826Ala]RAEQIVPLSA

ClinVar aggregate classification (germline): Uncertain significance (1 of 4 stars; one submission).

Conditions:
Inborn genetic diseases. Identifiers: MedGen C0950123, MeSH D030342.

Allele frequency attached by ClinVar (database versions not stated): gnomAD 0.00001; gnomAD exomes 0.00001; TOPMed 0.00001; ExAC 0.00002.
gnomAD v4.1: 11 of 1,613,918 alleles (0.00068%); highest among the groups gnomAD compares: African/African-American, 0.0013%; no homozygotes.

Submission:

Ambry Genetics
Classification: Uncertain significance for Inborn genetic diseases. Last evaluated: 2022-02-21. Review status: criteria provided, single submitter. Criteria: Ambry Variant Classification Scheme 2023. Collection method: clinical testing. Allele origin: germline.
Comment: The p.V1826A variant (also known as c.5477T>C), located in coding exon 32 of the ATR gene, results from a T to C substitution at nucleotide position 5477. The valine at codon 1826 is replaced by alanine, an amino acid with similar properties. This amino acid position is conserved. In addition, this alteration is predicted to be tolerated by in silico analysis. Since supporting evidence is limited at this time, the clinical significance of this alteration remains unclear.